The following is an entry in ClinVar:

ClinVar aggregate classification (germline): Likely benign (1 of 4 stars; one submission).

Submission:

CeGaT Center for Human Genetics Tuebingen
Classification: Likely benign. Last evaluated: 2025-05-01. Review status: criteria provided, single submitter. Criteria: CeGaT Center For Human Genetics Tuebingen Variant Classification Criteria Version 2. Collection method: clinical testing. Allele origin: germline. Affected: yes. Observed: 1 variant allele.
Comment: MYO16: PM2:Supporting, BP4, BP7

NM_001198950.3(MYO16):c.5595G>A (p.Gly1865=)

Gene: MYO16 (myosin XVI; plus strand). Cytogenetic location: 13q33.3.
Variant type: single nucleotide variant.
Coding change: c.5595G>A on transcript NM_001198950.3 (MANE Select); coding-DNA position 5595, G replaced by A.
Protein change: p.Gly1865=; no amino-acid change (glycine 1865 retained).
Molecular consequence: synonymous variant.
Genome position (GRCh38, 1-based): chr13:109,206,788, G>A. VCF-style: chr13-109206788-G-A. GRCh37 (hg19) VCF-style: chr13-109859136-G-A.
Other names: c.5529G>A, p.Gly1843= (NM_015011.3).
Identifiers: ClinVar variation 3905825 (VCV003905825.10).
Genomic context (GRCh38, chr13:109,206,788, plus strand): 5'-GCCCAGGGTGCCTCCCCCACCACCTTGCAAGAAGCCCAGCCTTCTGAAGAAGCCGGAAGG[G>A]GCCTCCTGCAACAGGCTGCCGTCTGAGCTCTGGGACACCACCATTTGATGTGGCCTGAAC-3'
Protein context (NP_001185879.1, residues 1855-1875): KKPSLLKKPE[Gly1865=]ASCNRLPSEL